The following is an entry in ClinVar:

ClinVar aggregate classification (germline): Uncertain significance (1 of 4 stars; one submission).

Allele frequency attached by ClinVar (database versions not stated): gnomAD exomes below 0.00001; TOPMed below 0.00001; gnomAD 0.00001.
gnomAD v4.1: 7 of 1,613,840 alleles (0.00043%); highest among the groups gnomAD compares: Middle Eastern, 0.016%; no homozygotes.

Submission:

Labcorp Genetics (formerly Invitae), Labcorp
Classification: Uncertain significance. Last evaluated: 2025-09-08. Review status: criteria provided, single submitter. Criteria: Invitae Variant Classification Sherloc (09022015). Collection method: clinical testing. Allele origin: germline.
Comment: This sequence change replaces histidine, which is basic and polar, with tyrosine, which is neutral and polar, at codon 417 of the PDE6C protein (p.His417Tyr). This variant is not present in population databases (gnomAD no frequency). This variant has not been reported in the literature in individuals affected with PDE6C-related conditions. ClinVar contains an entry for this variant (Variation ID: 999094). Invitae Evidence Modeling of protein sequence and biophysical properties (such as structural, functional, and spatial information, amino acid conservation, physicochemical variation, residue mobility, and thermodynamic stability) indicates that this missense variant is not expected to disrupt PDE6C protein function with a negative predictive value of 95%. In summary, the available evidence is currently insufficient to determine the role of this variant in disease. Therefore, it has been classified as a Variant of Uncertain Significance.

NM_006204.4(PDE6C):c.1249C>T (p.His417Tyr)

Gene: PDE6C (phosphodiesterase 6C; plus strand). Cytogenetic location: 10q23.33.
Variant type: single nucleotide variant.
Coding change: c.1249C>T on transcript NM_006204.4 (MANE Select); coding-DNA position 1249, C replaced by T.
Protein change: p.His417Tyr; replaces histidine 417 with tyrosine.
Molecular consequence: missense variant.
Genome position (GRCh38, 1-based): chr10:93,634,887, C>T. VCF-style: chr10-93634887-C-T. GRCh37 (hg19) VCF-style: chr10-95394644-C-T.
Other names: short protein forms H417Y.
Identifiers: ClinVar variation 999094 (VCV000999094.8), dbSNP rs1371198434, ClinGen allele CA377614495.
Genomic context (GRCh38, chr10:93,634,887, plus strand): 5'-GAAGATATTGTGGGAGTGGCTACATTTTACAACAGGAAGGATGGAAAACCTTTCGATGAG[C>T]ATGATGAATACATTACCGAGGCAAGTGCAATAATAAGATAATGGAAGTCAATGCAATTCA-3'
Protein context (NP_006195.3, residues 407-427): NRKDGKPFDE[His417Tyr]DEYITETLTQ